The following is an entry in ClinVar:

NM_006059.4(LAMC3):c.2555G>A (p.Gly852Glu)

Gene: LAMC3 (laminin subunit gamma 3; plus strand). Cytogenetic location: 9q34.12.
Variant type: single nucleotide variant.
Coding change: c.2555G>A on transcript NM_006059.4 (MANE Select); coding-DNA position 2555, G replaced by A.
Protein change: p.Gly852Glu; replaces glycine 852 with glutamic acid.
Molecular consequence: missense variant.
Genome position (GRCh38, 1-based): chr9:131,067,167, G>A. VCF-style: chr9-131067167-G-A. GRCh37 (hg19) VCF-style: chr9-133942554-G-A.
Other names: c.2555G>A (NM_006059.3); short protein forms G852E.
Identifiers: ClinVar variation 1490542 (VCV001490542.7), dbSNP rs1829953227, ClinGen allele CA375253449.

ClinVar aggregate classification (germline): Uncertain significance. Review status: criteria provided, multiple submitters, no conflicts (2 of 4 stars). 2 submissions from 2 submitters: Uncertain significance (2). Last evaluated 2024-01-28.

Allele frequency attached by ClinVar (database versions not stated): TOPMed below 0.00001; gnomAD exomes 0.00001.
gnomAD v4.1: 5 of 1,614,130 alleles (0.00031%); highest among the groups gnomAD compares: Non-Finnish European, 0.00042%; no homozygotes.

Submissions (2):

GeneDx
Classification: Uncertain significance. Last evaluated: 2024-01-28. Review status: criteria provided, single submitter. Criteria: GeneDx Variant Classification Process June 2021. Collection method: clinical testing. Allele origin: germline. Affected: yes.
Comment: Not observed at significant frequency in large population cohorts (gnomAD); In silico analysis supports that this missense variant has a deleterious effect on protein structure/function; Has not been previously published as pathogenic or benign to our knowledge

Labcorp Genetics (formerly Invitae), Labcorp
Classification: Uncertain significance. Last evaluated: 2020-12-03. Review status: criteria provided, single submitter. Criteria: Invitae Variant Classification Sherloc (09022015). Collection method: clinical testing. Allele origin: germline.
Comment: In summary, the available evidence is currently insufficient to determine the role of this variant in disease. Therefore, it has been classified as a Variant of Uncertain Significance. Algorithms developed to predict the effect of missense changes on protein structure and function are either unavailable or do not agree on the potential impact of this missense change (SIFT: "Deleterious"; PolyPhen-2: "Probably Damaging"; Align-GVGD: "Class C0"). This variant has not been reported in the literature in individuals with LAMC3-related conditions. This variant is not present in population databases (ExAC no frequency). This sequence change replaces glycine with glutamic acid at codon 852 of the LAMC3 protein (p.Gly852Glu). The glycine residue is highly conserved and there is a moderate physicochemical difference between glycine and glutamic acid.